The following is an entry in ClinVar:

ClinVar aggregate classification (germline): Likely benign (0 of 4 stars; one submission).

Conditions:
BAZ1B-related disorder. Also called: BAZ1B-related condition.

Allele frequency attached by ClinVar (database versions not stated): ExAC 0.00007; gnomAD exomes 0.00009; 1000 Genomes Project 30x 0.00078; 1000 Genomes Project 0.00080; TOPMed 0.00088; gnomAD 0.00090.
gnomAD v4.1: 269 of 1,613,490 alleles (0.017%); highest among the groups gnomAD compares: Admixed American, 0.42%; 1 homozygote.

Submission:

PreventionGenetics, part of Exact Sciences
Classification: Likely benign for BAZ1B-related condition. Last evaluated: 2022-05-17. Review status: no assertion criteria provided. Collection method: clinical testing. Allele origin: germline.
Comment: This variant is classified as likely benign based on ACMG/AMP sequence variant interpretation guidelines (Richards et al. 2015 PMID: 25741868, with internal and published modifications).

NM_032408.4(BAZ1B):c.370G>A (p.Val124Ile)

Gene: BAZ1B (bromodomain adjacent to zinc finger domain 1B; minus strand). Cytogenetic location: 7q11.23.
Variant type: single nucleotide variant.
Coding change: c.370G>A on transcript NM_032408.4 (MANE Select); coding-DNA position 370, G replaced by A.
Protein change: p.Val124Ile; replaces valine 124 with isoleucine.
Molecular consequence: missense variant.
Genome position (GRCh38, 1-based): chr7:73,498,698, C>T on the plus strand (G>A on the coding strand, the complement: BAZ1B is on the minus strand). VCF-style: chr7-73498698-C-T. GRCh37 (hg19) VCF-style: chr7-72913028-C-T.
Other names: c.370G>A, p.Val124Ile (NM_001370402.1); short protein forms V124I.
Identifiers: ClinVar variation 3052280 (VCV003052280.2), dbSNP rs199811050, ClinGen allele CA4288018.